The following is an entry in ClinVar:

NM_001267550.2(TTN):c.8641+19C>A

Gene: TTN (titin; minus strand). Cytogenetic location: 2q31.2.
Variant type: single nucleotide variant.
Coding change: c.8641+19C>A on transcript NM_001267550.2 (MANE Select); 19 bases into the intron after coding-DNA position 8641, C replaced by A.
Molecular consequence: intron variant.
Genome position (GRCh38, 1-based): chr2:178,770,041, G>T on the plus strand (C>A on the coding strand, the complement: TTN is on the minus strand). VCF-style: chr2-178770041-G-T. GRCh37 (hg19) VCF-style: chr2-179634768-G-T.
Other names: c.8503+19C>A (NM_003319.4, NM_133437.4, NM_133432.3); c.8641+19C>A (NM_133378.4, NM_001256850.1, NM_133379.5).
Identifiers: ClinVar variation 3076197 (VCV003076197.3), dbSNP rs749820891, ClinGen allele CA2004567.

ClinVar aggregate classification (germline): Conflicting classifications of pathogenicity. Review status: criteria provided, conflicting classifications (1 of 4 stars). 2 submissions from 2 submitters: Uncertain significance (1); Likely benign (1). Last evaluated 2025-11-03.

Conditions:
Cardiovascular phenotype. Identifiers: MedGen CN230736.
Autosomal recessive limb-girdle muscular dystrophy type 2J (LGMDR10). Also called: Limb-girdle muscular dystrophy, type 2J; MUSCULAR DYSTROPHY, LIMB-GIRDLE, AUTOSOMAL RECESSIVE 10. Identifiers: Orphanet 140922, MedGen C1837342, MONDO:0012127, OMIM 608807.
Dilated cardiomyopathy 1G (CMD1G). Identifiers: Orphanet 154, MedGen C1858763, MONDO:0011400, OMIM 604145.

Allele frequency attached by ClinVar (database versions not stated): gnomAD exomes below 0.00001; gnomAD 0.00001; TOPMed 0.00001; ExAC 0.00002.
gnomAD v4.1: 5 of 1,614,012 alleles (0.00031%); highest among the groups gnomAD compares: East Asian, 0.0022%; no homozygotes.

Submissions (2):

Labcorp Genetics (formerly Invitae), Labcorp
Classification: Likely benign for Dilated cardiomyopathy 1G; Autosomal recessive limb-girdle muscular dystrophy type 2J. Last evaluated: 2025-11-03. Review status: criteria provided, single submitter. Criteria: Invitae Variant Classification Sherloc (09022015). Collection method: clinical testing. Allele origin: germline.

Ambry Genetics
Classification: Uncertain significance for Cardiovascular phenotype. Last evaluated: 2015-11-17. Review status: criteria provided, single submitter. Criteria: Ambry Variant Classification Scheme 2023. Collection method: clinical testing. Allele origin: germline.
Comment: The c.8503+19C>A intronic alteration consists of a C to A substitution 9 nucleotides after coding exon 34 in the TTN gene. Based on insufficient or conflicting evidence, the clinical significance of this alteration remains unclear.